The following is an entry in ClinVar:

ClinVar aggregate classification (germline): Benign. Review status: criteria provided, multiple submitters, no conflicts (2 of 4 stars). 2 submissions from 2 submitters: Benign (2). Last evaluated 2019-10-17.

Allele frequency attached by ClinVar (database versions not stated): 1000 Genomes Project 30x 0.60369; 1000 Genomes Project 0.60603; TOPMed 0.67468; gnomAD 0.68317 and 0.68633; gnomAD exomes 0.70717.

Submissions (2):

GeneDx
Classification: Benign. Last evaluated: 2019-10-17. Review status: criteria provided, single submitter. Criteria: GeneDx Variant Classification Process June 2021. Collection method: clinical testing. Allele origin: germline. Affected: yes.
Comment: This variant is associated with the following publications: (PMID: 31115363)

Breakthrough Genomics
Classification: Benign. Review status: criteria provided, single submitter. Criteria: ACMG Guidelines, 2015. Collection method: not provided. Allele origin: germline. Inheritance: Autosomal recessive inheritance. Affected: yes.

NM_001282717.2(STAG3):c.*198A>T

Gene: STAG3 (STAG3 cohesin complex component; plus strand). Cytogenetic location: 7q22.1.
Variant type: single nucleotide variant.
Coding change: c.*198A>T on transcript NM_001282717.2 (MANE Select); 198 bases downstream of the stop codon, A replaced by T.
Molecular consequence: 3 prime UTR variant.
Genome position (GRCh38, 1-based): chr7:100,214,213, A>T. VCF-style: chr7-100214213-A-T. GRCh37 (hg19) VCF-style: chr7-99811836-A-T.
Other names: c.*198A>T (NM_001282716.1, NM_001282718.2, NM_001375438.1 and 1 more transcripts).
Identifiers: ClinVar variation 1222686 (VCV001222686.4), dbSNP rs1052482, ClinGen allele CA12594472.